The following is an entry in ClinVar:

ClinVar aggregate classification (germline): Pathogenic (1 of 4 stars; one submission).

Conditions:
Neurofibromatosis, type 1 (NF1). Also called: VON RECKLINGHAUSEN DISEASE; NEUROFIBROMATOSIS, TYPE I, SOMATIC; Peripheral type neurofibromatosis; Neurofibromatosis, type I. Identifiers: Orphanet 636, MedGen C0027831, MONDO:0018975, OMIM 162200. Disease mechanism: loss of function.

Submission:

Labcorp Genetics (formerly Invitae), Labcorp
Classification: Pathogenic for Neurofibromatosis, type 1. Last evaluated: 2018-11-14. Review status: criteria provided, single submitter. Criteria: Invitae Variant Classification Sherloc (09022015). Collection method: clinical testing. Allele origin: germline.
Comment: For these reasons, this variant has been classified as Pathogenic. Loss-of-function variants in NF1 are known to be pathogenic (PMID: 10712197, 23913538). This variant has not been reported in the literature in individuals with NF1-related disease. This variant is not present in population databases (ExAC no frequency). This sequence change creates a premature translational stop signal (p.Tyr2619Ilefs*2) in the NF1 gene. It is expected to result in an absent or disrupted protein product.

Literature cited by the submitters: PubMed 10712197; PubMed 23913538.

NM_001042492.3(NF1):c.7917_7918insA (p.Tyr2640fs)

Gene: NF1 (neurofibromin 1; plus strand). Cytogenetic location: 17q11.2.
Variant type: Insertion.
Coding change: c.7917_7918insA on transcript NM_001042492.3 (MANE Select); coding-DNA positions 7917 to 7918, A inserted.
Protein change: p.Tyr2640fs; shifts the reading frame from tyrosine 2640.
Molecular consequence: frameshift variant.
Genome position: GRCh38 VCF-style: chr17-31357316-T-TA. GRCh37 (hg19) VCF-style: chr17-29684334-T-TA.
Other names: c.7854_7855insA, p.Tyr2619Ilefs (NM_000267.4); short protein forms Y2640fs, Y2619fs.
Identifiers: ClinVar variation 660273 (VCV000660273.5), dbSNP rs1597866897, ClinGen allele CA915949913.
Genomic context (GRCh38, chr17:31,357,316, plus strand): 5'-TGCATCTTGGCAGGCTACACTGGTAAAATATACCACAGATGAGTTTGATCAACGAATTCT[T>TA]TATGAATACTTAGCAGAGGCCAGTGTTGTGTTTCCCAAAGTCTTTCCTGTTGTGTAAGTA-3'